The following is an entry in ClinVar:

NM_000541.5(SAG):c.1072C>T (p.Arg358Cys)

Gene: SAG (S-antigen visual arrestin; plus strand). Cytogenetic location: 2q37.1.
Variant type: single nucleotide variant.
Coding change: c.1072C>T on transcript NM_000541.5 (MANE Select); coding-DNA position 1072, C replaced by T.
Protein change: p.Arg358Cys; replaces arginine 358 with cysteine.
Molecular consequence: missense variant.
Genome position (GRCh38, 1-based): chr2:233,342,296, C>T. VCF-style: chr2-233342296-C-T. GRCh37 (hg19) VCF-style: chr2-234250942-C-T.
Other names: short protein forms R358C.
Identifiers: ClinVar variation 1044713 (VCV001044713.8), dbSNP rs988824134, ClinGen allele CA67564017.

ClinVar aggregate classification (germline): Uncertain significance (1 of 4 stars; one submission).

Allele frequency attached by ClinVar (database versions not stated): gnomAD exomes 0.00002; gnomAD 0.00006 and 0.00007; TOPMed 0.00007.
gnomAD v4.1: 37 of 1,608,816 alleles (0.0023%); highest among the groups gnomAD compares: South Asian, 0.011%; no homozygotes.

Submission:

Labcorp Genetics (formerly Invitae), Labcorp
Classification: Uncertain significance. Last evaluated: 2025-09-01. Review status: criteria provided, single submitter. Criteria: Invitae Variant Classification Sherloc (09022015). Collection method: clinical testing. Allele origin: germline.
Comment: This sequence change replaces arginine, which is basic and polar, with cysteine, which is neutral and slightly polar, at codon 358 of the SAG protein (p.Arg358Cys). The frequency data for this variant in the population databases is considered unreliable, as metrics indicate poor data quality at this position in the gnomAD database. This variant has not been reported in the literature in individuals affected with SAG-related conditions. ClinVar contains an entry for this variant (Variation ID: 1044713). Invitae Evidence Modeling of protein sequence and biophysical properties (such as structural, functional, and spatial information, amino acid conservation, physicochemical variation, residue mobility, and thermodynamic stability) indicates that this missense variant is not expected to disrupt SAG protein function with a negative predictive value of 80%. In summary, the available evidence is currently insufficient to determine the role of this variant in disease. Therefore, it has been classified as a Variant of Uncertain Significance.